The following is an entry in ClinVar:

NM_000038.6(APC):c.*1918G>C

Gene: APC (APC regulator of Wnt signaling pathway; plus strand). Cytogenetic location: 5q22.2.
Variant type: single nucleotide variant.
Coding change: c.*1918G>C on transcript NM_000038.6 (MANE Select); 1918 bases downstream of the stop codon, G replaced by C.
Molecular consequence: 3 prime UTR variant.
Genome position (GRCh38, 1-based): chr5:112,846,044, G>C. VCF-style: chr5-112846044-G-C. GRCh37 (hg19) VCF-style: chr5-112181741-G-C.
Other names: c.*1918G>C (NM_001127510.3, NM_001127511.3, NM_001354895.2 and 11 more transcripts).
Identifiers: ClinVar variation 907549 (VCV000907549.4), dbSNP rs185342287, ClinGen allele CA124938055.

ClinVar aggregate classification (germline): Benign (1 of 4 stars; one submission).

Conditions:
APC-Associated Polyposis Disorders.

Allele frequency attached by ClinVar (database versions not stated): 1000 Genomes Project 30x 0.00031; gnomAD 0.00039; 1000 Genomes Project 0.00040; TOPMed 0.00045; gnomAD exomes 0.00077.
gnomAD v4.1: 118 of 232,096 alleles (0.051%); highest among the groups gnomAD compares: Non-Finnish European, 0.084%; no homozygotes.

Submission:

Illumina Laboratory Services, Illumina
Classification: Benign for APC-Associated Polyposis Disorders. Last evaluated: 2018-01-13. Review status: criteria provided, single submitter. Criteria: ICSL Variant Classification Criteria 13 December 2019. Collection method: clinical testing. Allele origin: germline.
Comment: This variant was observed in the ICSL laboratory as part of a predisposition screen in an ostensibly healthy population. It had not been previously curated by ICSL or reported in the Human Gene Mutation Database (HGMD: prior to June 1st, 2018), and was therefore a candidate for classification through an automated scoring system. Utilizing variant allele frequency, disease prevalence and penetrance estimates, and inheritance mode, an automated score was calculated to assess if this variant is too frequent to cause the disease. Based on the score and internal cut-off values, a variant classified as benign is not then subjected to further curation. The score for this variant resulted in a classification of benign for this disease.